The following is an entry in ClinVar:

ClinVar aggregate classification (germline): Likely benign. Review status: criteria provided, multiple submitters, no conflicts (2 of 4 stars). 2 submissions from 2 submitters: Likely benign (2). Last evaluated 2025-12-24.

Conditions:
Autosomal recessive limb-girdle muscular dystrophy type 2J (LGMDR10). Also called: Limb-girdle muscular dystrophy, type 2J; MUSCULAR DYSTROPHY, LIMB-GIRDLE, AUTOSOMAL RECESSIVE 10. Identifiers: Orphanet 140922, MedGen C1837342, MONDO:0012127, OMIM 608807.
Dilated cardiomyopathy 1G (CMD1G). Identifiers: Orphanet 154, MedGen C1858763, MONDO:0011400, OMIM 604145.

Allele frequency attached by ClinVar (database versions not stated): gnomAD exomes below 0.00001; ExAC 0.00001; gnomAD 0.00001; TOPMed 0.00001; ESP Exome Variant Server 0.00008.
gnomAD v4.1: 6 of 1,613,116 alleles (0.00037%); highest among the groups gnomAD compares: Non-Finnish European, 0.00051%; no homozygotes.

Submissions (2):

Labcorp Genetics (formerly Invitae), Labcorp
Classification: Likely benign for Dilated cardiomyopathy 1G; Autosomal recessive limb-girdle muscular dystrophy type 2J. Last evaluated: 2025-12-24. Review status: criteria provided, single submitter. Criteria: Invitae Variant Classification Sherloc (09022015). Collection method: clinical testing. Allele origin: germline.

CeGaT Center for Human Genetics Tuebingen
Classification: Likely benign. Last evaluated: 2024-05-01. Review status: criteria provided, single submitter. Criteria: CeGaT Center For Human Genetics Tuebingen Variant Classification Criteria Version 2. Collection method: clinical testing. Allele origin: germline. Affected: yes. Observed: 1 variant allele.
Comment: TTN: BP4

NM_001267550.2(TTN):c.26898C>A (p.Ile8966=)

Gene: TTN (titin; minus strand). Cytogenetic location: 2q31.2.
Variant type: single nucleotide variant.
Coding change: c.26898C>A on transcript NM_001267550.2 (MANE Select); coding-DNA position 26898, C replaced by A.
Protein change: p.Ile8966=; no amino-acid change (isoleucine 8966 retained).
Molecular consequence: synonymous variant. On other transcripts: intron variant (3).
Genome position (GRCh38, 1-based): chr2:178,713,236, G>T on the plus strand (C>A on the coding strand, the complement: TTN is on the minus strand). VCF-style: chr2-178713236-G-T. GRCh37 (hg19) VCF-style: chr2-179577963-G-T.
Other names: c.25947C>A, p.Ile8649= (NM_001256850.1); c.23166C>A, p.Ile7722= (NM_133378.4); c.13282+24846C>A (NM_003319.4); c.13858+24846C>A (NM_133437.4); c.13657+24846C>A (NM_133432.3).
Identifiers: ClinVar variation 1116969 (VCV001116969.28), dbSNP rs377763876, ClinGen allele CA1999902.